The following is an entry in ClinVar:

ClinVar aggregate classification (germline): Conflicting classifications of pathogenicity. Review status: criteria provided, conflicting classifications (1 of 4 stars). 5 submissions from 5 submitters: Pathogenic (2); Likely pathogenic (2); Uncertain significance (1). Last evaluated 2024-10-04.

Conditions:
Cone-rod dystrophy. Also called: Cone-rod degeneration; Cone/cone-rod dystrophy. Identifiers: Orphanet 1872, MedGen C4085590, MONDO:0015993, HP:0000548.
ABCA4-related disorder. Also called: ABCA4-related condition; ABCA4-related disorders. Identifiers: MedGen CN239167.
Retinal dystrophy. Also called: Inherited retinal dystrophy. Identifiers: Orphanet 71862, MedGen C0854723, MeSH D058499, MONDO:0019118, HP:0000556.

Submissions (5):

Dubai Health Genomic Medicine Center, Dubai Health
Classification: Likely pathogenic for Retinal dystrophy. Last evaluated: 2024-10-04. Review status: criteria provided, single submitter. Criteria: ACMG Guidelines, 2015. Collection method: research. Allele origin: germline. Affected: yes.
Comment: PM3, PM2, PP3, PP2, PP4

Blueprint Genetics
Classification: Pathogenic for ABCA4-related disorders. Last evaluated: 2024-04-23. Review status: criteria provided, single submitter. Criteria: ACMG Guidelines, 2015. Collection method: clinical testing. Allele origin: germline. Affected: yes. Observed: 2 variant alleles.

Molecular Genetics Laboratory, Institute for Ophthalmic Research
Classification: Pathogenic for Cone-rod dystrophy. Last evaluated: 2020-01-09. Review status: criteria provided, single submitter. Criteria: ACMG Guidelines, 2015. Collection method: research. Allele origin: germline. Affected: yes.

CeGaT Center for Human Genetics Tuebingen
Classification: Uncertain significance. Last evaluated: 2019-02-01. Review status: criteria provided, single submitter. Criteria: CeGaT Center For Human Genetics Tuebingen Variant Classification Criteria Version 2. Collection method: clinical testing. Allele origin: germline. Affected: yes. Observed: 2 variant alleles.

Institute of Human Genetics, Univ. Regensburg, Univ. Regensburg
Classification: Likely pathogenic for Retinal dystrophy. Last evaluated: 2019-01-01. Review status: criteria provided, single submitter. Criteria: ACMG Guidelines, 2015. Collection method: clinical testing. Allele origin: germline. Affected: yes.

Literature cited by the submitters: PubMed 32531858 (cited by Institute of Human Genetics, Univ. Regensburg, Univ. Regensburg); PubMed 3670322 (cited by Institute of Human Genetics, Univ. Regensburg, Univ. Regensburg).

NM_000350.3(ABCA4):c.3639CCA[1] (p.His1215del)

Genes: ABCA4 (ATP binding cassette subfamily A member 4; minus strand), LOC126805794 (BRD4-independent group 4 enhancer GRCh37_chr1:94502188-94503387; plus strand). Cytogenetic location: 1p22.1.
Variant type: Microsatellite.
Coding change: c.3639CCA[1] on transcript NM_000350.3 (MANE Select); one copy of the 3-base unit CCA starting at c.3639; the reference has two copies in a row; one copy, 3 bases deleted; also written c.3642_3644del.
Protein change: p.His1215del; deletes histidine 1215.
Molecular consequence: inframe deletion. On other transcripts: inframe indel (1).
Genome position (GRCh38, 1-based): chr1:94,037,314-94,037,316, TGG deleted on the plus strand (CCA on the coding strand, the reverse complement: ABCA4 is on the minus strand); deleting any 3 consecutive bases within chr1:94,037,314-94,037,319 gives the same sequence; the position shown is the placement nearest the transcript's 3' end. VCF-style (leftmost placement, unchanged base first): chr1-94037313-ATGG-A. GRCh37 (hg19) VCF-style: chr1-94502869-ATGG-A.
Other names: c.3417_3419CCA[1], p.His1141del (NM_001425324.1); c.3642_3644del (NM_000350.3); short protein forms H1215del, H1141del.
Identifiers: ClinVar variation 806166 (VCV000806166.46), dbSNP rs1570367398, ClinGen allele CA915941326.
Genomic context (GRCh38, chr1:94,037,313, plus strand): 5'-ATTTGGAAGAAGGAAGATAAGTTCTTGACCAATGCACTCCACCAGCTTTGCCTCTGGAAC[ATGG>A]TGGAGAACTACATCCATCAGCTCATTTACATCCCCTAGGACAAGAAAAAAGACTGATGCC-3'